The following is an entry in ClinVar:

NM_052947.4(ALPK2):c.4712A>G (p.Asp1571Gly)

Genes: ALPK2 (alpha kinase 2; minus strand), LOC126862764 (BRD4-independent group 4 enhancer GRCh37_chr18:56202574-56203773; plus strand). Cytogenetic location: 18q21.31.
Variant type: single nucleotide variant.
Coding change: c.4712A>G on transcript NM_052947.4 (MANE Select); coding-DNA position 4712, A replaced by G.
Protein change: p.Asp1571Gly; replaces aspartic acid 1571 with glycine.
Molecular consequence: missense variant.
Genome position (GRCh38, 1-based): chr18:58,535,475, T>C on the plus strand (A>G on the coding strand, the complement: ALPK2 is on the minus strand). VCF-style: chr18-58535475-T-C. GRCh37 (hg19) VCF-style: chr18-56202707-T-C.
Other names: short protein forms D1571G.
Identifiers: ClinVar variation 3531510 (VCV003531510.1).

ClinVar aggregate classification (germline): Uncertain significance (1 of 4 stars; one submission).

Submission:

Ambry Genetics
Classification: Uncertain significance. Last evaluated: 2024-09-15. Review status: criteria provided, single submitter. Criteria: Ambry Variant Classification Scheme 2023. Collection method: clinical testing. Allele origin: germline.
Comment: The p.D1571G variant (also known as c.4712A>G), located in coding exon 4 of the ALPK2 gene, results from an A to G substitution at nucleotide position 4712. The aspartic acid at codon 1571 is replaced by glycine, an amino acid with similar properties. This amino acid position is conserved. In addition, this alteration is predicted to be tolerated by in silico analysis. Based on the available evidence, the clinical significance of this variant remains unclear.